The following is an entry in ClinVar:

ClinVar aggregate classification (germline): Uncertain significance (0 of 4 stars; one submission).

Conditions:
TTN-related disorder. Also called: TTN-related condition; TTN-related disease; TTN-related disorders.

gnomAD v4.1: 12 of 1,611,222 alleles (0.00074%); highest among the groups gnomAD compares: Admixed American, 0.0033%; no homozygotes.

Submission:

PreventionGenetics, part of Exact Sciences
Classification: Uncertain significance for TTN-related condition. Last evaluated: 2024-02-27. Review status: no assertion criteria provided. Collection method: clinical testing. Allele origin: germline.
Comment: The TTN c.17797G>T variant is predicted to result in the amino acid substitution p.Gly5933Cys. To our knowledge, this variant has not been reported in the literature. This variant is reported in 0.0029% of alleles in individuals of Latino descent in gnomAD. At this time, the clinical significance of this variant is uncertain due to the absence of conclusive functional and genetic evidence.

NM_001267550.2(TTN):c.17797G>T (p.Gly5933Cys)

Gene: TTN (titin; minus strand). Cytogenetic location: 2q31.2.
Variant type: single nucleotide variant.
Coding change: c.17797G>T on transcript NM_001267550.2 (MANE Select); coding-DNA position 17797, G replaced by T.
Protein change: p.Gly5933Cys; replaces glycine 5933 with cysteine.
Molecular consequence: missense variant. On other transcripts: intron variant (3).
Genome position (GRCh38, 1-based): chr2:178,730,736, C>A on the plus strand (G>T on the coding strand, the complement: TTN is on the minus strand). VCF-style: chr2-178730736-C-A. GRCh37 (hg19) VCF-style: chr2-179595463-C-A.
Other names: c.16846G>T, p.Gly5616Cys (NM_001256850.1); c.14065G>T, p.Gly4689Cys (NM_133378.4); c.13282+7346G>T (NM_003319.4); c.13858+7346G>T (NM_133437.4); c.13657+7346G>T (NM_133432.3); short protein forms G4689C, G5616C, G5933C.
Identifiers: ClinVar variation 3061437 (VCV003061437.2), dbSNP rs759141033, ClinGen allele CA349569514.